The following is an entry in ClinVar:

NM_000138.5(FBN1):c.155C>T (p.Ala52Val)

Gene: FBN1 (fibrillin 1; minus strand). Cytogenetic location: 15q21.1.
Variant type: single nucleotide variant.
Coding change: c.155C>T on transcript NM_000138.5 (MANE Select); coding-DNA position 155, C replaced by T.
Protein change: p.Ala52Val; replaces alanine 52 with valine.
Molecular consequence: missense variant.
Genome position (GRCh38, 1-based): chr15:48,644,615, G>A on the plus strand (C>T on the coding strand, the complement: FBN1 is on the minus strand). VCF-style: chr15-48644615-G-A. GRCh37 (hg19) VCF-style: chr15-48936812-G-A.
Other names: short protein forms A52V.
Identifiers: ClinVar variation 920884 (VCV000920884.15), dbSNP rs1258637670, ClinGen allele CA392453448.

ClinVar aggregate classification (germline): Conflicting classifications of pathogenicity. Review status: criteria provided, conflicting classifications (1 of 4 stars). 6 submissions from 6 submitters: Uncertain significance (4); Benign (2). Last evaluated 2025-12-08.

Conditions:
Familial thoracic aortic aneurysm and aortic dissection (TAAD). Also called: Thoracic aortic aneurysms and dissections. Identifiers: Orphanet 91387, MedGen C4707243, MONDO:0019625.
Marfan syndrome (MFS). Also called: Marfan syndrome, classic; Marfan syndrome type 1; Marfan's syndrome; FBN1-Related Marfan Syndrome; MARFAN SYNDROME, TYPE I. Identifiers: Orphanet 284963, Orphanet 558, MedGen C0024796, MONDO:0007947, OMIM 154700.

Allele frequency attached by ClinVar (database versions not stated): TOPMed 0.00006; gnomAD 0.00005; gnomAD exomes below 0.00001 and 0.00001.
gnomAD v4.1: 13 of 1,613,996 alleles (0.00081%); highest among the groups gnomAD compares: African/African-American, 0.015%; no homozygotes.

Submissions (6):

Women's Health and Genetics/Laboratory Corporation of America, LabCorp
Classification: Benign. Last evaluated: 2025-12-08. Review status: criteria provided, single submitter. Criteria: LabCorp Variant Classification Summary - May 2015. Collection method: clinical testing. Allele origin: germline.
Comment: Variant summary: FBN1 c.155C>T (p.Ala52Val) results in a non-conservative amino acid change in the encoded protein sequence. Algorithms developed to predict the effect of missense changes on protein structure and function are either unavailable or do not agree on the potential impact of this missense change. The variant allele was found at a frequency of 8e-06 in 251396 control chromosomes, predominantly at a frequency of 0.00012 within the African or African-American subpopulation in the gnomAD database. This frequency is higher than the estimated maximal expected allele frequency for a pathogenic variant in FBN1. To our knowledge, no occurrence of c.155C>T in individuals affected with FBN1-related conditions and no experimental evidence demonstrating its impact on protein function have been reported. ClinVar contains an entry for this variant (Variation ID: 920884). Based on the evidence outlined above, the variant was classified as benign.

Labcorp Genetics (formerly Invitae), Labcorp
Classification: Benign for Marfan syndrome; Familial thoracic aortic aneurysm and aortic dissection. Last evaluated: 2025-02-06. Review status: criteria provided, single submitter. Criteria: Invitae Variant Classification Sherloc (09022015). Collection method: clinical testing. Allele origin: germline.

Ambry Genetics
Classification: Uncertain significance for Familial thoracic aortic aneurysm and aortic dissection. Last evaluated: 2024-06-11. Review status: criteria provided, single submitter. Criteria: Ambry Variant Classification Scheme 2023. Collection method: clinical testing. Allele origin: germline.
Comment: The p.A52V variant (also known as c.155C>T), located in coding exon 1 of the FBN1 gene, results from a C to T substitution at nucleotide position 155. The alanine at codon 52 is replaced by valine, an amino acid with similar properties. This amino acid position is highly conserved in available vertebrate species. In addition, the in silico prediction for this alteration is inconclusive. Based on the available evidence, the clinical significance of this variant remains unclear.

GeneDx
Classification: Uncertain significance. Last evaluated: 2024-05-21. Review status: criteria provided, single submitter. Criteria: GeneDx Variant Classification Process June 2021. Collection method: clinical testing. Allele origin: germline. Affected: yes.
Comment: Not observed at significant frequency in large population cohorts (gnomAD); In silico analysis supports that this missense variant has a deleterious effect on protein structure/function; Has not been previously published as pathogenic or benign to our knowledge; This variant is associated with the following publications: (PMID: 12938084)

All of Us Research Program, National Institutes of Health
Classification: Uncertain significance for Marfan syndrome. Last evaluated: 2024-03-14. Review status: criteria provided, single submitter. Criteria: ACMG Guidelines, 2015. Collection method: clinical testing. Allele origin: germline. Inheritance: Autosomal dominant inheritance. Observed: 1 variant allele, 1 heterozygote.
Comment: This missense variant replaces alanine with valine at codon 52 of the FBN1 protein. Computational prediction tools and conservation analyses are inconclusive regarding the impact of this variant on the protein function. Computational splicing tools suggest that this variant may not impact RNA splicing. To our knowledge, functional assays have not been performed for this variant nor has this variant been reported in individuals affected with cardiovascular disorders in the literature. This variant has been identified in 4/282770 chromosomes in the general population by the Genome Aggregation Database (gnomAD). Available evidence is insufficient to determine the role of this variant in disease conclusively. Therefore, this variant is classified as a Variant of Uncertain Significance.

This study involves interpretation of variants in research participants for the purpose of population health screening. Participant phenotype was not available at the time of variant classification. Additional details can be found in publication PMID: 35346344, PMCID: PMC8962531

Color Diagnostics, LLC DBA Color Health
Classification: Uncertain significance for Familial thoracic aortic aneurysm and aortic dissection. Last evaluated: 2023-12-05. Review status: criteria provided, single submitter. Criteria: ACMG Guidelines, 2015. Collection method: clinical testing. Allele origin: germline.
Comment: This missense variant replaces alanine with valine at codon 52 of the FBN1 protein. Computational prediction tools and conservation analyses are inconclusive regarding the impact of this variant on the protein function. Computational splicing tools suggest that this variant may not impact RNA splicing. To our knowledge, functional assays have not been performed for this variant nor has this variant been reported in individuals affected with cardiovascular disorders in the literature. This variant has been identified in 4/282770 chromosomes in the general population by the Genome Aggregation Database (gnomAD). Available evidence is insufficient to determine the role of this variant in disease conclusively. Therefore, this variant is classified as a Variant of Uncertain Significance.